The following is an entry in ClinVar:

ClinVar aggregate classification (germline): Uncertain significance (1 of 4 stars; one submission).

Submission:

Women's Health and Genetics/Laboratory Corporation of America, LabCorp
Classification: Uncertain significance. Last evaluated: 2025-07-28. Review status: criteria provided, single submitter. Criteria: LabCorp Variant Classification Summary - May 2015. Collection method: clinical testing. Allele origin: germline.
Comment: Variant summary: FGG c.669A>C (p.Arg223Ser) results in a non-conservative amino acid change in the encoded protein sequence. Algorithms developed to predict the effect of missense changes on protein structure and function all suggest that this variant is likely to be disruptive. The variant was absent in 248650 control chromosomes. The available data on variant occurrences in the general population are insufficient to allow any conclusion about variant significance. To our knowledge, no occurrence of c.669A>C in individuals affected with Congenital Dysfibrinogenemia and no experimental evidence demonstrating its impact on protein function have been reported. No submitters have cited clinical-significance assessments for this variant to ClinVar. Based on the evidence outlined above, the variant was classified as uncertain significance.

NM_021870.3(FGG):c.669A>C (p.Arg223Ser)

Gene: FGG (fibrinogen gamma chain; minus strand). Cytogenetic location: 4q32.1.
Variant type: single nucleotide variant.
Coding change: c.669A>C on transcript NM_021870.3 (MANE Select); coding-DNA position 669, A replaced by C.
Protein change: p.Arg223Ser; replaces arginine 223 with serine.
Molecular consequence: missense variant.
Genome position (GRCh38, 1-based): chr4:154,608,648, T>G on the plus strand (A>C on the coding strand, the complement: FGG is on the minus strand). VCF-style: chr4-154608648-T-G. GRCh37 (hg19) VCF-style: chr4-155529800-T-G.
Other names: c.669A>C, p.Arg223Ser (NM_000509.6); short protein forms R223S.
Identifiers: ClinVar variation 4526165 (VCV004526165.1).
Genomic context (GRCh38, chr4:154,608,648, plus strand): 5'-ATGTCCAAATCCTTCTTTATATTGAATCCAGTTTTTCTTGAAATCTACACTGCCATCAAG[T>G]CTCTAATTACACATTTGCAAGAGCAAAAGGAGAAAATAGACTATCAATGCATGTAAAGAG-3'
Protein context (NP_068656.2, residues 213-233): SGNGWTVFQK[Arg223Ser]LDGSVDFKKN